The following continues an entry in ClinVar:

NM_024675.4(PALB2):c.11C>T (p.Pro4Leu)

Gene: PALB2. ClinVar aggregate classification (germline): Conflicting classifications of pathogenicity. Uncertain significance (8); Benign (1); Likely benign (5).

Submissions 15 to 17 of 17:

PreventionGenetics, part of Exact Sciences
Classification: Likely benign for PALB2-related condition. Last evaluated: 2024-05-16. Review status: no assertion criteria provided. Collection method: clinical testing. Allele origin: germline. Not counted in ClinVar's aggregate classification.
Comment: This variant is classified as likely benign based on ACMG/AMP sequence variant interpretation guidelines (Richards et al. 2015 PMID: 25741868, with internal and published modifications).

Leiden Open Variation Database
Classification: Uncertain significance for Familial cancer of breast. Last evaluated: 2019-05-13. Review status: no assertion criteria provided. Collection method: curation. Allele origin: germline. Affected: yes. Not counted in ClinVar's aggregate classification.
Comment: Curators: Marc Tischkowitz, Arleen D. Auerbach. Submitter to LOVD: Marc Tischkowitz.

Department of Pathology and Laboratory Medicine, Sinai Health System
Classification: Uncertain significance for Malignant tumor of breast. Review status: no assertion criteria provided. Collection method: clinical testing. Allele origin: unknown. Affected: yes. Study: The Canadian Open Genetics Repository (COGR). Not counted in ClinVar's aggregate classification.
Comment: The PALB2 p.Pro4Leu variant was identified in 8 of 14674 proband chromosomes (frequency: 0.0006) from individuals or families with breast or ovarian cancer and was present in 5 of 14350 control chromosomes (frequency: 0.0003) from healthy individuals (Damiola 2015, Ramus 2015, Thompson 2015, Wong-Brown 2014, Rahman 2007). The variant was also identified in dbSNP (ID: rs45619737) as "With Uncertain significance allele", ClinVar (classified as likely benign by Ambry Genetics; as uncertain significance by Genedx, Invitae and five other submitters), and in LOVD 3.0 (1x). The variant was identified in control databases in 19 of 273268 chromosomes at a frequency of 0.00007 (Genome Aggregation Database Feb 27, 2017). The variant was observed in the following populations: African in 3 of 23580 chromosomes (freq: 0.000127), European in 16 of 124140 chromosomes (freq: 0.0001), while the variant was not observed in the Other, Latino, Ashkenazi Jewish, East Asian, Finnish or South Asian populations. The p.Pro4 residue is not conserved in mammals and four out of five computational analyses (PolyPhen-2, SIFT, AlignGVGD, BLOSUM, MutationTaster) do not suggest a high likelihood of impact to the protein; however, this information is not predictive enough to rule out pathogenicity. The variant occurs outside of the splicing consensus sequence and in silico or computational prediction software programs (SpliceSiteFinder, MaxEntScan, NNSPLICE, GeneSplicer) do not predict a difference in splicing. In summary, based on the above information the clinical significance of this variant cannot be determined with certainty at this time. This variant is classified as a variant of uncertain significance.

Literature cited by the submitters: PubMed 17200668 (cited by Women's Health and Genetics/Laboratory Corporation of America, LabCorp and Sema4); PubMed 26283626 (cited by 4 submitters); PubMed 23824750 (cited by 6 submitters); PubMed 26315354 (cited by 4 submitters); PubMed 26564480 (cited by 5 submitters); PubMed 27878467 (cited by 3 submitters); PubMed 30303537 (cited by Women's Health and Genetics/Laboratory Corporation of America, LabCorp and Quest Diagnostics Nichols Institute San Juan Capistrano); PubMed 31586400 (cited by 4 submitters); PubMed 28779002 (cited by Quest Diagnostics Nichols Institute San Juan Capistrano); PubMed 37937776 (cited by Quest Diagnostics Nichols Institute San Juan Capistrano); PubMed 34326862 (cited by Quest Diagnostics Nichols Institute San Juan Capistrano and Mayo Clinic Laboratories, Mayo Clinic); PubMed 38196669 (cited by Quest Diagnostics Nichols Institute San Juan Capistrano); PubMed 35585550 (cited by Quest Diagnostics Nichols Institute San Juan Capistrano); PubMed 33471991 (cited by Quest Diagnostics Nichols Institute San Juan Capistrano and Sema4); PubMed 25085752 (cited by Myriad Genetics, Inc.).